The following is an entry in ClinVar:

ClinVar aggregate classification (germline): Pathogenic (1 of 4 stars; one submission).

Conditions:
Carnitine palmitoyl transferase 1A deficiency. Also called: Carnitine palmitoyltransferase 1A deficiency; CPT deficiency, hepatic, type IA; Carnitine palmitoyltransferase type I deficiency; CPT I DEFICIENCY; CPT DEFICIENCY, HEPATIC, TYPE I. Identifiers: Orphanet 156, MedGen C1829703, MONDO:0009705, OMIM 255120.

Submission:

Myriad Genetics, Inc.
Classification: Pathogenic for Carnitine palmitoyl transferase 1A deficiency. Last evaluated: 2025-05-09. Review status: criteria provided, single submitter. Criteria: Myriad Autosomal Dominant, Autosomal Recessive and X-Linked Classification Criteria (2023). Collection method: clinical testing. Allele origin: unknown.
Comment: NM_001876.3(CPT1A):c.1368delG(F457Sfs*74) is expected to be pathogenic in the context of carnitine palmitoyltransferase IA deficiency. This variant is predicted to lead to an abnormal or absent protein product due to the creation of a premature termination codon in CPT1A, a gene where loss-of-function variants are known to be pathogenic. Please note: this variant was assessed in the context of healthy population screening.

NM_001876.4(CPT1A):c.1368del (p.Phe457fs)

Gene: CPT1A (carnitine palmitoyltransferase 1A; minus strand). Cytogenetic location: 11q13.3.
Variant type: Deletion.
Coding change: c.1368del on transcript NM_001876.4 (MANE Select); coding-DNA position 1368, one base deleted (G; older notation c.1368delG).
Protein change: p.Phe457fs; shifts the reading frame from phenylalanine 457.
Molecular consequence: frameshift variant.
Genome position (GRCh38, 1-based): chr11:68,780,730, C deleted on the plus strand (G on the coding strand, the reverse complement: CPT1A is on the minus strand). VCF-style (leftmost placement, unchanged base first): chr11-68780729-AC-A. GRCh37 (hg19) VCF-style: chr11-68548197-AC-A.
Other names: c.1368del, p.Phe457fs (NM_001031847.3, NM_001440358.1, NM_001440359.1 and 3 more transcripts); c.1260del, p.Phe421fs (NM_001440363.1); c.1182del, p.Phe395fs (NM_001440365.1); short protein forms F395fs, F421fs, F457fs.
Identifiers: ClinVar variation 5014408 (VCV005014408.1).